The following is an entry in ClinVar:

NM_001184.4(ATR):c.982A>G (p.Met328Val)

Gene: ATR (ATR checkpoint kinase; minus strand). Cytogenetic location: 3q23.
Variant type: single nucleotide variant.
Coding change: c.982A>G on transcript NM_001184.4 (MANE Select); coding-DNA position 982, A replaced by G.
Protein change: p.Met328Val; replaces methionine 328 with valine.
Molecular consequence: missense variant.
Genome position (GRCh38, 1-based): chr3:142,562,420, T>C on the plus strand (A>G on the coding strand, the complement: ATR is on the minus strand). VCF-style: chr3-142562420-T-C. GRCh37 (hg19) VCF-style: chr3-142281262-T-C.
Other names: c.982A>G, p.Met328Val (NM_001354579.2); short protein forms M328V.
Identifiers: ClinVar variation 1472540 (VCV001472540.6), dbSNP rs749261715, ClinGen allele CA2650697.

ClinVar aggregate classification (germline): Uncertain significance (1 of 4 stars; one submission).

Allele frequency attached by ClinVar (database versions not stated): gnomAD exomes 0.00001 and 0.00002; ExAC 0.00002; TOPMed 0.00002.
gnomAD v4.1: 10 of 1,614,176 alleles (0.00062%); highest among the groups gnomAD compares: Middle Eastern, 0.016%; 1 homozygote.

Submission:

Labcorp Genetics (formerly Invitae), Labcorp
Classification: Uncertain significance. Last evaluated: 2024-01-09. Review status: criteria provided, single submitter. Criteria: Invitae Variant Classification Sherloc (09022015). Collection method: clinical testing. Allele origin: germline.
Comment: This sequence change replaces methionine, which is neutral and non-polar, with valine, which is neutral and non-polar, at codon 328 of the ATR protein (p.Met328Val). This variant is present in population databases (rs749261715, gnomAD 0.01%), including at least one homozygous and/or hemizygous individual. This variant has not been reported in the literature in individuals affected with ATR-related conditions. ClinVar contains an entry for this variant (Variation ID: 1472540). An algorithm developed to predict the effect of missense changes on protein structure and function (PolyPhen-2) suggests that this variant¬†is likely to be tolerated. In summary, the available evidence is currently insufficient to determine the role of this variant in disease. Therefore, it has been classified as a Variant of Uncertain Significance.